The following is an entry in ClinVar:

NM_000431.4(MVK):c.479T>A (p.Val160Glu)

Gene: MVK (mevalonate kinase; plus strand). Cytogenetic location: 12q24.11.
Variant type: single nucleotide variant.
Coding change: c.479T>A on transcript NM_000431.4 (MANE Select); coding-DNA position 479, T replaced by A.
Protein change: p.Val160Glu; replaces valine 160 with glutamic acid.
Molecular consequence: missense variant. On other transcripts: intron variant (1).
Genome position (GRCh38, 1-based): chr12:109,581,502, T>A. VCF-style: chr12-109581502-T-A. GRCh37 (hg19) VCF-style: chr12-110019307-T-A.
Other names: c.479T>A, p.Val160Glu (NM_001114185.3, NM_001414511.1, NM_001414512.1 and 1 more transcripts); c.-104T>A (NM_001414515.1); c.371+1556T>A (NM_001301182.2); short protein forms V160E.
Identifiers: ClinVar variation 2132441 (VCV002132441.5), dbSNP rs1361748601, ClinGen allele CA386646349.

ClinVar aggregate classification (germline): Uncertain significance. Review status: criteria provided, multiple submitters, no conflicts (2 of 4 stars). 2 submissions from 2 submitters: Uncertain significance (2). Last evaluated 2026-08-03.

Conditions:
Mevalonic aciduria (MEVA). Identifiers: Orphanet 29, MedGen C1959626, MONDO:0012481, OMIM 610377.
Porokeratosis 3, disseminated superficial actinic type (POROK3). Also called: POROKERATOSIS, DISSEMINATED SUPERFICIAL ACTINIC, 1; POROKERATOSIS 3, MULTIPLE TYPES; POROKERATOSIS 3, MIBELLI TYPE. Identifiers: MedGen C1867981, MONDO:0008293, OMIM 175900.
Hyperimmunoglobulin D with periodic fever (HIDS). Also called: Hyperimmunoglobulinemia D with periodic fever; HYPERIMMUNOGLOBULINEMIA D AND PERIODIC FEVER SYNDROME; Hyperimmunoglobulinemia D. Identifiers: Orphanet 343, MedGen C0398691, MONDO:0009849, OMIM 260920.
Inborn genetic diseases. Identifiers: MedGen C0950123, MeSH D030342.

gnomAD v4.1: 14 of 1,614,214 alleles (0.00087%); highest among the groups gnomAD compares: Non-Finnish European, 0.0012%; no homozygotes.

Submissions (2):

Ambry Genetics
Classification: Uncertain significance for Inborn genetic diseases. Last evaluated: 2026-08-03. Review status: criteria provided, single submitter. Criteria: Ambry Variant Classification Scheme 2023. Collection method: clinical testing. Allele origin: germline.

Labcorp Genetics (formerly Invitae), Labcorp
Classification: Uncertain significance for Mevalonic aciduria; Hyperimmunoglobulin D with periodic fever; Porokeratosis 3, disseminated superficial actinic type. Last evaluated: 2022-06-20. Review status: criteria provided, single submitter. Criteria: Invitae Variant Classification Sherloc (09022015). Collection method: clinical testing. Allele origin: germline.
Comment: This variant is not present in population databases (gnomAD no frequency). In summary, the available evidence is currently insufficient to determine the role of this variant in disease. Therefore, it has been classified as a Variant of Uncertain Significance. Advanced modeling of protein sequence and biophysical properties (such as structural, functional, and spatial information, amino acid conservation, physicochemical variation, residue mobility, and thermodynamic stability) performed at Invitae indicates that this missense variant is not expected to disrupt MVK protein function. This variant has not been reported in the literature in individuals affected with MVK-related conditions. This sequence change replaces valine, which is neutral and non-polar, with glutamic acid, which is acidic and polar, at codon 160 of the MVK protein (p.Val160Glu).